The following is an entry in ClinVar:

NM_152732.5(RSPH9):c.524-164C>T

Gene: RSPH9 (radial spoke head component 9; plus strand). Cytogenetic location: 6p21.1.
Variant type: single nucleotide variant.
Coding change: c.524-164C>T on transcript NM_152732.5 (MANE Select); 164 bases into the intron before coding-DNA position 524, C replaced by T.
Molecular consequence: intron variant.
Genome position (GRCh38, 1-based): chr6:43,656,413, C>T. VCF-style: chr6-43656413-C-T. GRCh37 (hg19) VCF-style: chr6-43624150-C-T.
Other names: c.524-164C>T (NM_001424119.1, NM_001424121.1); c.479-164C>T (NM_001193341.2, NM_001424120.1).
Identifiers: ClinVar variation 1707316 (VCV001707316.2), dbSNP rs73428680, ClinGen allele CA138337847.

ClinVar aggregate classification (germline): Likely benign (1 of 4 stars; one submission).

Allele frequency attached by ClinVar (database versions not stated): TOPMed 0.01495; 1000 Genomes Project 0.01797; 1000 Genomes Project 30x 0.01905.
gnomAD v4.1: 1,981 of 152,132 alleles (1.3%); highest among the groups gnomAD compares: African/African-American, 4.2%; 36 homozygotes.

Submission:

GeneDx
Classification: Likely benign. Last evaluated: 2020-09-16. Review status: criteria provided, single submitter. Criteria: GeneDx Variant Classification Process June 2021. Collection method: clinical testing. Allele origin: germline. Affected: yes.
Comment: See Variant Classification Assertion Criteria.